The following is an entry in ClinVar:

NM_007254.4(PNKP):c.277C>G (p.Leu93Val)

Gene: PNKP (polynucleotide kinase 3'-phosphatase; minus strand). Cytogenetic location: 19q13.33.
Variant type: single nucleotide variant.
Coding change: c.277C>G on transcript NM_007254.4 (MANE Select); coding-DNA position 277, C replaced by G.
Protein change: p.Leu93Val; replaces leucine 93 with valine.
Molecular consequence: missense variant.
Genome position (GRCh38, 1-based): chr19:49,865,348, G>C on the plus strand (C>G on the coding strand, the complement: PNKP is on the minus strand). VCF-style: chr19-49865348-G-C. GRCh37 (hg19) VCF-style: chr19-50368605-G-C.
Other names: short protein forms L93V.
Identifiers: ClinVar variation 1716443 (VCV001716443.5), dbSNP rs2514641284, ClinGen allele CA406890744.

ClinVar aggregate classification (germline): Uncertain significance (1 of 4 stars; one submission).

Conditions:
Developmental and epileptic encephalopathy, 12 (DEE12). Identifiers: MedGen C3150988, MONDO:0013389, OMIM 613722.

Submission:

Labcorp Genetics (formerly Invitae), Labcorp
Classification: Uncertain significance for Developmental and epileptic encephalopathy, 12. Last evaluated: 2024-05-15. Review status: criteria provided, single submitter. Criteria: Invitae Variant Classification Sherloc (09022015). Collection method: clinical testing. Allele origin: germline.
Comment: This sequence change replaces leucine, which is neutral and non-polar, with valine, which is neutral and non-polar, at codon 93 of the PNKP protein (p.Leu93Val). This variant is not present in population databases (gnomAD no frequency). This variant has not been reported in the literature in individuals affected with PNKP-related conditions. ClinVar contains an entry for this variant (Variation ID: 1716443). An algorithm developed to predict the effect of missense changes on protein structure and function (PolyPhen-2) suggests that this variant is likely to be disruptive. In summary, the available evidence is currently insufficient to determine the role of this variant in disease. Therefore, it has been classified as a Variant of Uncertain Significance.